The following is an entry in ClinVar:

ClinVar aggregate classification (germline): Uncertain significance (1 of 4 stars; one submission).

gnomAD v4.1: 1 of 1,614,108 alleles (0.000062%); highest among the groups gnomAD compares: Admixed American, 0.0017%; no homozygotes.

Submission:

GeneDx
Classification: Uncertain significance. Last evaluated: 2025-06-16. Review status: criteria provided, single submitter. Criteria: GeneDx Variant Classification Process June 2021. Collection method: clinical testing. Allele origin: germline. Affected: yes.
Comment: Not observed at significant frequency in large population cohorts (gnomAD); In silico analysis supports that this missense variant has a deleterious effect on protein structure/function; Has not been previously published as pathogenic or benign to our knowledge

NM_001321571.2(CAMK2D):c.45G>C (p.Gln15His)

Gene: CAMK2D (calcium/calmodulin dependent protein kinase II delta; minus strand). Cytogenetic location: 4q26.
Variant type: single nucleotide variant.
Coding change: c.45G>C on transcript NM_001321571.2 (MANE Select); coding-DNA position 45, G replaced by C.
Protein change: p.Gln15His; replaces glutamine 15 with histidine.
Molecular consequence: missense variant. On other transcripts: 5 prime UTR variant (10).
Genome position (GRCh38, 1-based): chr4:113,761,024, C>G on the plus strand (G>C on the coding strand, the complement: CAMK2D is on the minus strand). VCF-style: chr4-113761024-C-G. GRCh37 (hg19) VCF-style: chr4-114682180-C-G.
Other names: c.45G>C, p.Gln15His (NM_001221.4, NM_001321566.2, NM_001321567.2 and 34 more transcripts); c.-471G>C (NM_001321578.2); c.-174G>C (NM_001321581.2, NM_001399859.1, NM_001399860.1 and 2 more transcripts); c.-638G>C (NM_001321585.2, NM_001399865.1); c.-416G>C (NM_001399863.1, NM_001399864.1); short protein forms Q15H.
Identifiers: ClinVar variation 3373383 (VCV003373383.2).
Genomic context (GRCh38, chr4:113,761,024, plus strand): 5'-CTGGAAAGGGGATATGCGGATGCCGGGCAAAGGTGCTTACTTTCCAAGCTCCTCGAAAAG[C>G]TGATACTCGTCCGTGAACCTGGTGCAGGTTGTGGTCGAAGCCATCCTCGGTCCGGGCTGT-3'
Protein context (NP_001308500.1, residues 5-25): TTCTRFTDEY[Gln15His]LFEELGKGAF